The following is an entry in ClinVar:

ClinVar aggregate classification (germline): Conflicting classifications of pathogenicity. Review status: criteria provided, conflicting classifications (1 of 4 stars). 8 submissions from 8 submitters: Uncertain significance (7); Likely benign (1). Last evaluated 2026-01-20.

Conditions:
ATM-related disorder. Also called: ATM-related disorders; ATM-related condition.
Hereditary cancer-predisposing syndrome. Also called: Neoplastic Syndromes, Hereditary; Tumor predisposition; Hereditary Cancer Syndrome; Hereditary neoplastic syndrome. Identifiers: Orphanet 140162, MedGen C0027672, MeSH D009386, MONDO:0015356.
Familial cancer of breast. Also called: hereditary breast carcinoma; Hereditary breast cancer; BREAST CANCER, FAMILIAL. Identifiers: Orphanet 227535, MedGen C0346153, MONDO:0016419, OMIM 114480. Disease mechanism: loss of function.
Ataxia-telangiectasia syndrome (AT). Also called: LOUIS-BAR SYNDROME; Cerebello-oculocutaneous telangiectasia; Immunodeficiency with ataxia telangiectasia; Ataxia-telangiectasia, complementation group D; Ataxia-telangiectasia, complementation group E; Ataxia telangiectasia (A-T). Identifiers: Orphanet 100, MedGen C0004135, MONDO:0008840, OMIM 208900.

Allele frequency attached by ClinVar (database versions not stated): gnomAD 0.00001; gnomAD exomes 0.00002; TOPMed 0.00003.
gnomAD v4.1: 32 of 1,589,540 alleles (0.002%); highest among the groups gnomAD compares: African/African-American, 0.0027%; no homozygotes.

Submissions (8):

PreventionGenetics, part of Exact Sciences
Classification: Uncertain significance for ATM-related condition. Last evaluated: 2026-01-20. Review status: criteria provided, single submitter. Criteria: ACMG Guidelines, 2015. Collection method: clinical testing. Allele origin: germline.
Comment: The ATM c.5639C>T variant is predicted to result in the amino acid substitution p.Thr1880Met. This variant was reported in individuals with melanoma or breast cancer and also in control individuals (Dalmasso et al. 2021. PubMed ID: 34262154; Supp. Table 3, Mittal et al. 2022. PubMed ID: 36200007; Breast Cancer Association Consortium et al. 2021. PubMed ID: 33471991). This variant is reported in 0.0011% of alleles in individuals of European (Non-Finnish) descent in gnomAD. This variant has conflicting interpretations of uncertain significance and likely benign in ClinVar (Variation ID: 135761). At this time, the clinical significance of this variant is uncertain due to the absence of conclusive functional and genetic evidence.

Labcorp Genetics (formerly Invitae), Labcorp
Classification: Uncertain significance for Ataxia-telangiectasia syndrome. Last evaluated: 2026-01-02. Review status: criteria provided, single submitter. Criteria: Invitae Variant Classification Sherloc (09022015). Collection method: clinical testing. Allele origin: germline.
Comment: This sequence change replaces threonine, which is neutral and polar, with methionine, which is neutral and non-polar, at codon 1880 of the ATM protein (p.Thr1880Met). The frequency data for this variant in the population databases is considered unreliable, as metrics indicate poor data quality at this position in the gnomAD database. This missense change has been observed in individual(s) with melanoma (PMID: 34262154). ClinVar contains an entry for this variant (Variation ID: 135761). Invitae Evidence Modeling of protein sequence and biophysical properties (such as structural, functional, and spatial information, amino acid conservation, physicochemical variation, residue mobility, and thermodynamic stability) indicates that this missense variant is not expected to disrupt ATM protein function with a negative predictive value of 95%. In summary, the available evidence is currently insufficient to determine the role of this variant in disease. Therefore, it has been classified as a Variant of Uncertain Significance.

Ambry Genetics
Classification: Likely benign for Hereditary cancer-predisposing syndrome. Last evaluated: 2025-03-31. Review status: criteria provided, single submitter. Criteria: Ambry Variant Classification Scheme 2023. Collection method: clinical testing. Allele origin: germline.

Mayo Clinic Laboratories, Mayo Clinic
Classification: Uncertain significance. Last evaluated: 2025-01-09. Review status: criteria provided, single submitter. Criteria: ACMG Guidelines, 2015. Collection method: clinical testing. Allele origin: germline. Observed: 1 variant allele.
Comment: BP4

Color Diagnostics, LLC DBA Color Health
Classification: Uncertain significance for Hereditary cancer-predisposing syndrome. Last evaluated: 2024-05-14. Review status: criteria provided, single submitter. Criteria: ACMG Guidelines, 2015. Collection method: clinical testing. Allele origin: germline.
Comment: This missense variant replaces threonine with methionine at codon 1880 of the ATM protein. Computational prediction suggests that this variant may not impact protein structure and function. To our knowledge, functional studies have not been reported for this variant. This variant has been reported in individuals affected with breast cancer (PMID: 28779002, 33471991, 36200007). In one case-control study, this variant was reported in 4/60462 breast cancer cases and 2/53459 controls (OR=1.768, 95%CI 0.324 to 9.655, p-value=0.691; PMID: 33471991). This variant has been identified in 1/208108 chromosomes in the general population by the Genome Aggregation Database (gnomAD). The available evidence is insufficient to determine the role of this variant in disease conclusively. Therefore, this variant is classified as a Variant of Uncertain Significance.

GeneDx
Classification: Uncertain significance. Last evaluated: 2023-12-24. Review status: criteria provided, single submitter. Criteria: GeneDx Variant Classification Process June 2021. Collection method: clinical testing. Allele origin: germline. Affected: yes.
Comment: Not observed at significant frequency in large population cohorts (gnomAD); In silico analysis supports that this missense variant does not alter protein structure/function; This variant is associated with the following publications: (PMID: 28779002, 34262154, 36200007)

Baylor Genetics
Classification: Uncertain significance for Familial cancer of breast. Last evaluated: 2023-12-19. Review status: criteria provided, single submitter. Criteria: ACMG Guidelines, 2015. Collection method: clinical testing. Allele origin: unknown.

Sema4
Classification: Uncertain significance for Hereditary cancer-predisposing syndrome. Last evaluated: 2021-09-25. Review status: criteria provided, single submitter. Criteria: Sema4 Curation Guidelines. Collection method: curation. Allele origin: germline.
Comment: The ATM c.5639C>T (p.T1880M) variant has been reported in 4/60466 individuals with breast cancer and 2/53461 controls from a large breast cancer case control study (PMID: 3347199, 28779002). It was observed in 1/95024 chromosomes of the Non-Finnish European subpopulation in the large and broad cohorts of the Genome Aggregation Database (PMID: 32461654). The variant has been reported in ClinVar (Variation ID 135761). Functional studies have not been performed, and in silico predictions of the variant's effect on protein function are inconclusive. The evidence is insufficient to meet ACMG/AMP criteria for classifying the variant as benign or pathogenic. Thus, the clinical significance of this variant is currently uncertain.

Literature cited by the submitters: PubMed 34262154 (cited by Labcorp Genetics (formerly Invitae), Labcorp and Mayo Clinic Laboratories, Mayo Clinic); PubMed 28779002 (cited by 3 submitters); PubMed 36200007 (cited by Mayo Clinic Laboratories, Mayo Clinic and Color Diagnostics, LLC DBA Color Health); PubMed 33471991 (cited by Color Diagnostics, LLC DBA Color Health); PubMed 3347199 (cited by Sema4).

NM_000051.4(ATM):c.5639C>T (p.Thr1880Met)

Gene: ATM (ATM serine/threonine kinase; plus strand). Cytogenetic location: 11q22.3.
Variant type: single nucleotide variant.
Coding change: c.5639C>T on transcript NM_000051.4 (MANE Select); coding-DNA position 5639, C replaced by T.
Protein change: p.Thr1880Met; replaces threonine 1880 with methionine.
Molecular consequence: missense variant.
Genome position (GRCh38, 1-based): chr11:108,304,817, C>T. VCF-style: chr11-108304817-C-T. GRCh37 (hg19) VCF-style: chr11-108175544-C-T.
Other names: p.T1880M:ACG>ATG; p.Thr1880Met; c.5639C>T, p.Thr1880Met (NM_001351834.2); short protein forms T1880M.
Identifiers: ClinVar variation 135761 (VCV000135761.29), dbSNP rs587780628, ClinGen allele CA294391.